The following is an entry in ClinVar:

ClinVar aggregate classification (germline): Pathogenic/Likely pathogenic. Review status: criteria provided, multiple submitters, no conflicts (2 of 4 stars). 4 submissions from 4 submitters: Pathogenic (3); Likely pathogenic (1). Last evaluated 2025-02-24.

Conditions:
Arthrogryposis multiplex congenita 6. Identifiers: MedGen C5543431, MONDO:0030281, OMIM 619334.
Nemaline myopathy 2 (NEM2). Also called: Nemaline myopathy 2, autosomal recessive. Identifiers: MedGen C1850569, MONDO:0009725, OMIM 256030.

Submissions (4):

Natera, Inc.
Classification: Likely pathogenic for Nemaline myopathy type 2. Last evaluated: 2025-02-24. Review status: criteria provided, single submitter. Criteria: Natera Variant Classification Schema (03/2026). Collection method: clinical testing. Allele origin: germline.
Comment: The c.739delG variant in NEB is a frameshift variant predicted to shift the reading frame beginning at codon 247 and leads to a stop codon 16 codons downstream. This variant is expected to result in nonsense mediated decay, truncation, or a dysfunctional protein product. This variant is rare in the general population with a frequency below the threshold expected for the associated phenotype(s). Given the available evidence, this variant is classified as Likely Pathogenic.

Baylor Genetics
Classification: Pathogenic for Arthrogryposis multiplex congenita 6. Last evaluated: 2023-12-06. Review status: criteria provided, single submitter. Criteria: ACMG Guidelines, 2015. Collection method: clinical testing. Allele origin: unknown.

Labcorp Genetics (formerly Invitae), Labcorp
Classification: Pathogenic for Nemaline myopathy 2. Last evaluated: 2022-03-15. Review status: criteria provided, single submitter. Criteria: Invitae Variant Classification Sherloc (09022015). Collection method: clinical testing. Allele origin: germline.
Comment: This sequence change creates a premature translational stop signal (p.Ala247Leufs*16) in the NEB gene. It is expected to result in an absent or disrupted protein product. Loss-of-function variants in NEB are known to be pathogenic (PMID: 25205138). For these reasons, this variant has been classified as Pathogenic. ClinVar contains an entry for this variant (Variation ID: 1323354). This variant has not been reported in the literature in individuals affected with NEB-related conditions. This variant is not present in population databases (gnomAD no frequency).

Revvity Omics, Revvity
Classification: Pathogenic. Last evaluated: 2020-10-14. Review status: criteria provided, single submitter. Criteria: ACMG Guidelines, 2015. Collection method: clinical testing. Allele origin: germline.

Literature cited by the submitters: PubMed 25205138 (cited by Labcorp Genetics (formerly Invitae), Labcorp).

NM_001164508.2(NEB):c.739del (p.Ala247fs)

Gene: NEB (nebulin; minus strand). Cytogenetic location: 2q23.3.
Variant type: Deletion.
Coding change: c.739del on transcript NM_001164508.2 (MANE Select); coding-DNA position 739, one base deleted (G; older notation c.739delG).
Protein change: p.Ala247fs; shifts the reading frame from alanine 247.
Molecular consequence: frameshift variant.
Genome position (GRCh38, 1-based): chr2:151,717,499, C deleted on the plus strand (G on the coding strand, the reverse complement: NEB is on the minus strand). VCF-style (leftmost placement, unchanged base first): chr2-151717498-GC-G. GRCh37 (hg19) VCF-style: chr2-152574012-GC-G.
Other names: c.739delG (NM_001271208.1); c.739del, p.Ala247fs (NM_001164507.2, NM_001271208.2, NM_004543.5); short protein forms A247fs.
Identifiers: ClinVar variation 1323354 (VCV001323354.11), dbSNP rs2150350376, ClinGen allele CA2573051676.